The following is an entry in ClinVar:

ClinVar aggregate classification (germline): Pathogenic. Review status: criteria provided, multiple submitters, no conflicts (2 of 4 stars). 2 submissions from 2 submitters: Pathogenic (2). Last evaluated 2026-04-14.

Conditions:
Familial intrahepatic cholestasis. Identifiers: Orphanet 284385, MedGen CN296401, MONDO:0017290.

Submissions (2):

Genomenon, Inc
Classification: Pathogenic for Familial intrahepatic cholestasis. Last evaluated: 2026-04-14. Review status: criteria provided, single submitter. Criteria: Genomenon Sequence Variant Interpretation Standards - Updated. Collection method: curation. Allele origin: germline. Affected: yes.
Comment: ABCB11 p.Ser25Ter (c.74C>A) is a nonsense variant that introduces a premature stop codon at amino acid position 25, creating a truncated protein that may be subject to nonsense-mediated mRNA decay. This variant has been observed in at least one proband with an ABCB11-related disorder (PMID:28626473). It is absent or not present at a significant frequency in gnomAD. In conclusion, we classify ABCB11 p.Ser25Ter (c.74C>A) as a pathogenic variant.

Labcorp Genetics (formerly Invitae), Labcorp
Classification: Pathogenic. Last evaluated: 2023-06-09. Review status: criteria provided, single submitter. Criteria: Invitae Variant Classification Sherloc (09022015). Collection method: clinical testing. Allele origin: germline.
Comment: For these reasons, this variant has been classified as Pathogenic. This premature translational stop signal has been observed in individual(s) with progressive familial intrahepatic cholestasis (PMID: 16871584). This variant is not present in population databases (gnomAD no frequency). This sequence change creates a premature translational stop signal (p.Ser25*) in the ABCB11 gene. It is expected to result in an absent or disrupted protein product. Loss-of-function variants in ABCB11 are known to be pathogenic (PMID: 18395098, 20232290).

Literature cited by the submitters: PubMed 28626473 (cited by Genomenon, Inc); PubMed 16871584 (cited by Labcorp Genetics (formerly Invitae), Labcorp); PubMed 18395098 (cited by Labcorp Genetics (formerly Invitae), Labcorp); PubMed 20232290 (cited by Labcorp Genetics (formerly Invitae), Labcorp).

NM_003742.4(ABCB11):c.74C>A (p.Ser25Ter)

Gene: ABCB11 (ATP binding cassette subfamily B member 11; minus strand). Cytogenetic location: 2q31.1.
Variant type: single nucleotide variant.
Coding change: c.74C>A on transcript NM_003742.4 (MANE Select); coding-DNA position 74, C replaced by A.
Protein change: p.Ser25Ter; replaces serine 25 with a stop codon.
Molecular consequence: nonsense.
Genome position (GRCh38, 1-based): chr2:169,018,052, G>T on the plus strand (C>A on the coding strand, the complement: ABCB11 is on the minus strand). VCF-style: chr2-169018052-G-T. GRCh37 (hg19) VCF-style: chr2-169874562-G-T.
Other names: short protein forms S25*.
Identifiers: ClinVar variation 2734333 (VCV002734333.4), dbSNP rs2545493995, ClinGen allele CA349107266.
Genomic context (GRCh38, chr2:169,018,052, plus strand): 5'-CTACTTTTGTTCTCACCTCTCCTTGTACAAGATGCAGTGAGGGAAAAAAGCCACTCACAT[G>T]ATTTATCTGACTCAAAACCATCATTCTCCTCTCCAAATTTCTTTATACTTCGAAGAATTA-3'